The following is an entry in ClinVar:

NM_001079802.2(FKTN):c.938C>T (p.Pro313Leu)

Gene: FKTN (fukutin; plus strand). Cytogenetic location: 9q31.2.
Variant type: single nucleotide variant.
Coding change: c.938C>T on transcript NM_001079802.2 (MANE Select); coding-DNA position 938, C replaced by T.
Protein change: p.Pro313Leu; replaces proline 313 with leucine.
Molecular consequence: missense variant. On other transcripts: non-coding transcript variant (1).
Genome position (GRCh38, 1-based): chr9:105,617,986, C>T. VCF-style: chr9-105617986-C-T. GRCh37 (hg19) VCF-style: chr9-108380267-C-T.
Other names: c.938C>T, p.Pro313Leu (NM_001198963.2, NM_001351496.2, NM_001351498.2 and 1 more transcripts); c.869C>T, p.Pro290Leu (NM_001351497.2); c.542C>T, p.Pro181Leu (NM_001351499.2, NM_001351500.2, NM_001351501.2 and 1 more transcripts); short protein forms P290L, P313L, P181L.
Identifiers: ClinVar variation 655137 (VCV000655137.8), dbSNP rs1588204815, ClinGen allele CA374377439.

ClinVar aggregate classification (germline): Uncertain significance (1 of 4 stars; one submission).

Conditions:
Walker-Warburg congenital muscular dystrophy. Also called: Muscular dystrophy-dystroglycanopathy, type A; Walker-Warburg syndrome. Identifiers: Orphanet 899, MedGen C0265221, MONDO:0000171.

Allele frequency attached by ClinVar (database versions not stated): gnomAD exomes below 0.00001.
gnomAD v4.1: 1 of 1,592,458 alleles (0.000063%); highest among the groups gnomAD compares: Non-Finnish European, 0.000086%; no homozygotes.

Submission:

Labcorp Genetics (formerly Invitae), Labcorp
Classification: Uncertain significance for Walker-Warburg congenital muscular dystrophy. Last evaluated: 2022-06-04. Review status: criteria provided, single submitter. Criteria: Invitae Variant Classification Sherloc (09022015). Collection method: clinical testing. Allele origin: germline.
Comment: In summary, the available evidence is currently insufficient to determine the role of this variant in disease. Therefore, it has been classified as a Variant of Uncertain Significance. Algorithms developed to predict the effect of missense changes on protein structure and function are either unavailable or do not agree on the potential impact of this missense change (SIFT: "Deleterious"; PolyPhen-2: "Possibly Damaging"; Align-GVGD: "Class C15"). ClinVar contains an entry for this variant (Variation ID: 655137). This variant has not been reported in the literature in individuals affected with FKTN-related conditions. This variant is not present in population databases (gnomAD no frequency). This sequence change replaces proline, which is neutral and non-polar, with leucine, which is neutral and non-polar, at codon 313 of the FKTN protein (p.Pro313Leu).